The following is an entry in ClinVar:

ClinVar aggregate classification (germline): Uncertain significance. Review status: reviewed by expert panel (3 of 4 stars). 3 submissions from 3 submitters: Uncertain significance (1). 2 of the submissions do not count toward it. Last evaluated 2023-08-21.

Conditions:
CDH1-related diffuse gastric and lobular breast cancer syndrome. Also called: CDH1-related diffuse gastric and lobular breast cancer. Identifiers: MedGen CN311521, MONDO:0100488.

Allele frequency attached by ClinVar (database versions not stated): TOPMed 0.00001.
gnomAD v4.1: 5 of 1,499,712 alleles (0.00033%); highest among the groups gnomAD compares: East Asian, 0.0025%; no homozygotes.

Submissions (3):

Clingen Gastric Cancer Variant Curation Expert Panel
Classification: Uncertain significance for CDH1-related diffuse gastric and lobular breast cancer syndrome. Last evaluated: 2023-08-21. Review status: reviewed by expert panel. Criteria: ClinGen CDH1 ACMG Specifications V3.1. Collection method: curation. Allele origin: germline. Inheritance: Autosomal dominant inheritance.
Comment: The c.-50C>G variant occurs in the 5'UTR. This variant is absent in the gnomAD cohort (PM2_Supporting); however, this variant occurs in a low complexity region of the reference genome version GRCh37/hg19. To our knowledge, the c.-50C>G variant has not been reported in the literature. Other single nucleotide variants in the CDH1 promoter have been shown to alter promoter activity, the c.-49G>T variant slightly increasing activity and the c.-54G>C variant decreasing activity based on luciferase assays (PMID: 23431106, 11996968). In summary, this variant is classified as a variant of uncertain significance based on insufficient ACMG/AMP criteria applied as specified by the CDH1 Variant Curation Expert Panel (Variant Interpretation Guidelines Version 3.1): PM2_Supporting.

Center for Genomic Medicine, Rigshospitalet, Copenhagen University Hospital
Classification: Uncertain significance. Last evaluated: 2025-03-04. Review status: criteria provided, single submitter. Criteria: ACMG Guidelines, 2015. Collection method: clinical testing. Allele origin: germline. Not counted in ClinVar's aggregate classification.

GeneDx
Classification: Uncertain significance. Last evaluated: 2016-02-05. Review status: criteria provided, single submitter. Criteria: GeneDx Variant Classification (06012015). Collection method: clinical testing. Allele origin: germline. Affected: yes. Not counted in ClinVar's aggregate classification.
Comment: This variant is denoted CDH1 c.-50C>G, and describes a nucleotide substitution 50 base pairs upstream of the CDH1 ATG translational start site in the 5Â’ untranslated region (UTR). This variant was not observed in approximately 6,500 individuals of European and African American ancestry in the NHLBI Exome Sequencing Project, suggesting it is not a common benign variant in these populations, and the base that is altered is not conserved across species. CDH1 c.-50C>G is not predicted to affect the Kozak consensus sequence or to affect splicing. Although this particular variant has not, to our knowledge, been published in the literature, variants have been reported in this region at c.-49 and c.-54 per HGMD (Stenson 2013). Luciferase reporter assays showed that c.-49G>T contributes to a slight increase in promoter activity, while c.-54G>C significantly decreases (p = 0.003) promoter activity (Nakamura 2002, Chen 2013). Based on currently available information, we consider CDH1 c.-50C>G to be a variant of uncertain significance.

NM_004360.5(CDH1):c.-50C>G

Genes: CDH1 (cadherin 1; plus strand), LOC130059290 (ATAC-STARR-seq lymphoblastoid silent region 7650; plus strand). Cytogenetic location: 16q22.1.
Variant type: single nucleotide variant.
Coding change: c.-50C>G on transcript NM_004360.5 (MANE Select); 50 bases upstream of the start codon, C replaced by G.
Molecular consequence: 5 prime UTR variant.
Genome position (GRCh38, 1-based): chr16:68,737,366, C>G. VCF-style: chr16-68737366-C-G. GRCh37 (hg19) VCF-style: chr16-68771269-C-G.
Other names: c.-50C>G (LRG_301t1, NM_001317184.2); c.-1665C>G (NM_001317185.2); c.-1869C>G (NM_001317186.2).
Identifiers: ClinVar variation 234282 (VCV000234282.5), dbSNP rs876660969, ClinGen allele CA10577530.